The following is an entry in ClinVar:

NM_005228.5(EGFR):c.712G>A (p.Ala238Thr)

Gene: EGFR (epidermal growth factor receptor; plus strand). Cytogenetic location: 7p11.2.
Variant type: single nucleotide variant.
Coding change: c.712G>A on transcript NM_005228.5 (MANE Select); coding-DNA position 712, G replaced by A.
Protein change: p.Ala238Thr; replaces alanine 238 with threonine.
Molecular consequence: missense variant. On other transcripts: intron variant (1).
Genome position (GRCh38, 1-based): chr7:55,152,629, G>A. VCF-style: chr7-55152629-G-A. GRCh37 (hg19) VCF-style: chr7-55220322-G-A.
Other names: c.712G>A (NM_005228.3); c.577G>A, p.Ala193Thr (NM_001346897.2, NM_001346899.2); c.712G>A, p.Ala238Thr (NM_001346898.2, NM_201282.2, NM_201283.2 and 1 more transcripts); c.553G>A, p.Ala185Thr (NM_001346900.2); c.89-3201G>A (NM_001346941.2); short protein forms A193T, A185T, A238T.
Identifiers: ClinVar variation 1392512 (VCV001392512.9), dbSNP rs2128933831, ClinGen allele CA367577499.

ClinVar aggregate classification (germline): Uncertain significance. Review status: criteria provided, multiple submitters, no conflicts (2 of 4 stars). 2 submissions from 2 submitters: Uncertain significance (2). Last evaluated 2025-02-14.

Conditions:
Hereditary cancer-predisposing syndrome. Also called: Neoplastic Syndromes, Hereditary; Hereditary neoplastic syndrome; Tumor predisposition; Hereditary Cancer Syndrome. Identifiers: Orphanet 140162, MedGen C0027672, MeSH D009386, MONDO:0015356.
EGFR-related lung cancer (EGFR). Identifiers: MedGen CN130014.

Submissions (2):

Ambry Genetics
Classification: Uncertain significance for Hereditary cancer-predisposing syndrome. Last evaluated: 2025-02-14. Review status: criteria provided, single submitter. Criteria: Ambry Variant Classification Scheme 2023. Collection method: clinical testing. Allele origin: germline.
Comment: The p.A238T variant (also known as c.712G>A), located in coding exon 6 of the EGFR gene, results from a G to A substitution at nucleotide position 712. The alanine at codon 238 is replaced by threonine, an amino acid with similar properties. This amino acid position is well conserved in available vertebrate species. In addition, the in silico prediction for this alteration is inconclusive. Based on the available evidence, the clinical significance of this variant remains unclear.

Labcorp Genetics (formerly Invitae), Labcorp
Classification: Uncertain significance for EGFR-related lung cancer. Last evaluated: 2023-07-17. Review status: criteria provided, single submitter. Criteria: Invitae Variant Classification Sherloc (09022015). Collection method: clinical testing. Allele origin: germline.
Comment: In summary, the available evidence is currently insufficient to determine the role of this variant in disease. Therefore, it has been classified as a Variant of Uncertain Significance. Advanced modeling of protein sequence and biophysical properties (such as structural, functional, and spatial information, amino acid conservation, physicochemical variation, residue mobility, and thermodynamic stability) performed at Invitae indicates that this missense variant is not expected to disrupt EGFR protein function. ClinVar contains an entry for this variant (Variation ID: 1392512). This variant has not been reported in the literature in individuals affected with EGFR-related conditions. This variant is not present in population databases (gnomAD no frequency). This sequence change replaces alanine, which is neutral and non-polar, with threonine, which is neutral and polar, at codon 238 of the EGFR protein (p.Ala238Thr).